The following is an entry in ClinVar:

ClinVar aggregate classification (germline): Likely benign (1 of 4 stars; one submission).

Submission:

CeGaT Center for Human Genetics Tuebingen
Classification: Likely benign. Last evaluated: 2025-05-01. Review status: criteria provided, single submitter. Criteria: CeGaT Center For Human Genetics Tuebingen Variant Classification Criteria Version 2. Collection method: clinical testing. Allele origin: germline. Affected: yes. Observed: 1 variant allele.
Comment: ADGRL1: BS1

NM_014921.5(ADGRL1):c.3052A>G (p.Met1018Val)

Genes: ADGRL1 (adhesion G protein-coupled receptor L1; minus strand), ADGRL1-AS1 (ADGRL1 antisense RNA 1; plus strand). Cytogenetic location: 19p13.12.
Variant type: single nucleotide variant.
Coding change: c.3052A>G on transcript NM_014921.5 (MANE Select); coding-DNA position 3052, A replaced by G.
Protein change: p.Met1018Val; replaces methionine 1018 with valine.
Molecular consequence: missense variant.
Genome position (GRCh38, 1-based): chr19:14,156,183, T>C on the plus strand (A>G on the coding strand, the complement: ADGRL1 is on the minus strand). VCF-style: chr19-14156183-T-C. GRCh37 (hg19) VCF-style: chr19-14266995-T-C.
Other names: c.3067A>G, p.Met1023Val (NM_001008701.3); short protein forms M1018V, M1023V.
Identifiers: ClinVar variation 3905577 (VCV003905577.10).